The following is an entry in ClinVar:

ClinVar aggregate classification (germline): Uncertain significance (1 of 4 stars; one submission).

Allele frequency attached by ClinVar (database versions not stated): ExAC 0.00001; gnomAD 0.00001; gnomAD exomes below 0.00001; TOPMed below 0.00001.
gnomAD v4.1: 4 of 1,613,902 alleles (0.00025%); highest among the groups gnomAD compares: Non-Finnish European, 0.00034%; no homozygotes.

Submission:

Labcorp Genetics (formerly Invitae), Labcorp
Classification: Uncertain significance. Last evaluated: 2025-11-17. Review status: criteria provided, single submitter. Criteria: Invitae Variant Classification Sherloc (09022015). Collection method: clinical testing. Allele origin: germline.
Comment: This sequence change replaces glycine, which is neutral and non-polar, with glutamic acid, which is acidic and polar, at codon 609 of the TTLL5 protein (p.Gly609Glu). This variant is present in population databases (rs751543052, gnomAD 0.002%). This variant has not been reported in the literature in individuals affected with TTLL5-related conditions. ClinVar contains an entry for this variant (Variation ID: 1063559). Invitae Evidence Modeling of protein sequence and biophysical properties (such as structural, functional, and spatial information, amino acid conservation, physicochemical variation, residue mobility, and thermodynamic stability) indicates that this missense variant is not expected to disrupt TTLL5 protein function with a negative predictive value of 80%. In summary, the available evidence is currently insufficient to determine the role of this variant in disease. Therefore, it has been classified as a Variant of Uncertain Significance.

NM_015072.5(TTLL5):c.1826G>A (p.Gly609Glu)

Gene: TTLL5 (tubulin tyrosine ligase like 5; plus strand). Cytogenetic location: 14q24.3.
Variant type: single nucleotide variant.
Coding change: c.1826G>A on transcript NM_015072.5 (MANE Select); coding-DNA position 1826, G replaced by A.
Protein change: p.Gly609Glu; replaces glycine 609 with glutamic acid.
Molecular consequence: missense variant.
Genome position (GRCh38, 1-based): chr14:75,766,179, G>A. VCF-style: chr14-75766179-G-A. GRCh37 (hg19) VCF-style: chr14-76232522-G-A.
Other names: short protein forms G609E.
Identifiers: ClinVar variation 1063559 (VCV001063559.9), dbSNP rs751543052, ClinGen allele CA7279540.